The following is an entry in ClinVar:

NM_003052.5(SLC34A1):c.1816C>T (p.Arg606Cys)

Gene: SLC34A1 (solute carrier family 34 member 1; plus strand). Cytogenetic location: 5q35.3.
Variant type: single nucleotide variant.
Coding change: c.1816C>T on transcript NM_003052.5 (MANE Select); coding-DNA position 1816, C replaced by T.
Protein change: p.Arg606Cys; replaces arginine 606 with cysteine.
Molecular consequence: missense variant.
Genome position (GRCh38, 1-based): chr5:177,398,182, C>T. VCF-style: chr5-177398182-C-T. GRCh37 (hg19) VCF-style: chr5-176825183-C-T.
Other names: c.1816C>T (NM_003052.4); short protein forms R606C.
Identifiers: ClinVar variation 3000033 (VCV003000033.4), dbSNP rs576752637, ClinGen allele CA132830375.

ClinVar aggregate classification (germline): Uncertain significance. Review status: criteria provided, multiple submitters, no conflicts (2 of 4 stars). 2 submissions from 2 submitters: Uncertain significance (2). Last evaluated 2025-09-25.

Conditions:
Inborn genetic diseases. Identifiers: MedGen C0950123, MeSH D030342.

Allele frequency attached by ClinVar (database versions not stated): gnomAD 0.00003; gnomAD exomes below 0.00001; TOPMed 0.00001.
gnomAD v4.1: 8 of 1,611,292 alleles (0.0005%); highest among the groups gnomAD compares: African/African-American, 0.004%; no homozygotes.

Submissions (2):

Labcorp Genetics (formerly Invitae), Labcorp
Classification: Uncertain significance. Last evaluated: 2025-09-25. Review status: criteria provided, single submitter. Criteria: Invitae Variant Classification Sherloc (09022015). Collection method: clinical testing. Allele origin: germline.
Comment: This sequence change replaces arginine, which is basic and polar, with cysteine, which is neutral and slightly polar, at codon 606 of the SLC34A1 protein (p.Arg606Cys). This variant is not present in population databases (gnomAD no frequency). This variant has not been reported in the literature in individuals affected with SLC34A1-related conditions. ClinVar contains an entry for this variant (Variation ID: 3000033). An algorithm developed to predict the effect of missense changes on protein structure and function (PolyPhen-2) suggests that this variant is likely to be tolerated. In summary, the available evidence is currently insufficient to determine the role of this variant in disease. Therefore, it has been classified as a Variant of Uncertain Significance.

Ambry Genetics
Classification: Uncertain significance for Inborn genetic diseases. Last evaluated: 2025-06-12. Review status: criteria provided, single submitter. Criteria: Ambry Variant Classification Scheme 2023. Collection method: clinical testing. Allele origin: germline.